The following is an entry in ClinVar:

NM_001374828.1(ARID1B):c.2603_2606del (p.Arg868fs)

Gene: ARID1B (AT-rich interaction domain 1B; plus strand). Cytogenetic location: 6q25.3.
Variant type: Deletion.
Coding change: c.2603_2606del on transcript NM_001374828.1 (MANE Select); coding-DNA positions 2603 to 2606, 4 bases deleted (GAAA; older notation c.2603_2606delGAAA).
Protein change: p.Arg868fs; shifts the reading frame from arginine 868.
Molecular consequence: frameshift variant.
Genome position (GRCh38, 1-based): chr6:157,133,049-157,133,052, GAAA deleted; deleting any 4 consecutive bases within chr6:157,133,046-157,133,052 gives the same sequence; the c. name uses the placement nearest the transcript's 3' end. VCF-style (leftmost placement, unchanged base first): chr6-157133045-CAAAG-C. GRCh37 (hg19) VCF-style: chr6-157454179-CAAAG-C.
Other names: c.104_107del, p.Arg35fs (NM_001363725.2); c.2642_2645del, p.Arg881fs (NM_001371656.1, NM_001374820.1); c.2603_2606del, p.Arg868fs (NM_017519.3); c.2354_2357del, p.Arg785fs (NM_001346813.1); c.2393_2396delGAAA (NM_020732.3); c.2393_2396del (NM_020732.3); c.2603_2606delGAAA (NM_017519.3); short protein forms R35fs, R785fs, R868fs, R881fs.
Identifiers: ClinVar variation 426580 (VCV000426580.10), dbSNP rs1085307695, ClinGen allele CA645294042.

ClinVar aggregate classification (germline): Pathogenic/Likely pathogenic. Review status: criteria provided, multiple submitters, no conflicts (2 of 4 stars). 5 submissions from 5 submitters: Pathogenic (3); Likely pathogenic (1). 1 of the submissions does not count toward it. Last evaluated 2024-12-16.

Conditions:
Coffin-Siris syndrome 1 (CSS1). Also called: Mental retardation, autosomal dominant 12; ARID1B-Related Coffin-Siris Syndrome. Identifiers: Orphanet 1465, MedGen C3281201, MONDO:0007617, OMIM 135900. Disease mechanism: gain of function.

Submissions (5):

GeneDx
Classification: Pathogenic. Last evaluated: 2024-12-16. Review status: criteria provided, single submitter. Criteria: GeneDx Variant Classification Process June 2021. Collection method: clinical testing. Allele origin: germline. Affected: yes.
Comment: Frameshift variant predicted to result in protein truncation or nonsense mediated decay in a gene for which loss of function is a known mechanism of disease; Not observed at significant frequency in large population cohorts (gnomAD); This variant is associated with the following publications: (PMID: 33057194, 35982159, 38113761, 27899421, 34580403, 22581936, 37500730)

MVZ Medizinische Genetik Mainz
Classification: Pathogenic for Coffin-Siris syndrome 1. Last evaluated: 2024-01-04. Review status: criteria provided, single submitter. Criteria: UK Practice Guidelines For Variant Classification V4 01 2020. Collection method: clinical testing. Allele origin: germline. Inheritance: Autosomal dominant inheritance. Observed: 1 variant allele.
Comment: ACMG Criteria: PVS1,PS4_MOD,PS2_SUP,PM2_SUP

Genome-Nilou Lab
Classification: Pathogenic for Coffin-Siris syndrome 1. Last evaluated: 2021-07-15. Review status: criteria provided, single submitter. Criteria: ACMG Guidelines, 2015. Collection method: clinical testing. Allele origin: germline. Affected: no.

Institute of Human Genetics, University of Leipzig Medical Center
Classification: Likely pathogenic for Coffin-Siris syndrome 1. Last evaluated: 2019-01-01. Review status: criteria provided, single submitter. Criteria: ACMG Guidelines, 2015. Collection method: clinical testing. Allele origin: unknown. Affected: yes.

Pediatric Genetics Clinic, Sheba Medical Center
Classification: Pathogenic for Coffin-Siris syndrome 1. Last evaluated: 2021-05-13. Review status: no assertion criteria provided. Collection method: clinical testing. Allele origin: de novo. Affected: yes. Observed: 1 heterozygote. Not counted in ClinVar's aggregate classification.